The following is an entry in ClinVar:

NM_001291303.3(FAT4):c.367G>C (p.Val123Leu)

Gene: FAT4 (FAT atypical cadherin 4; plus strand). Cytogenetic location: 4q28.1.
Variant type: single nucleotide variant.
Coding change: c.367G>C on transcript NM_001291303.3 (MANE Select); coding-DNA position 367, G replaced by C.
Protein change: p.Val123Leu; replaces valine 123 with leucine.
Molecular consequence: missense variant.
Genome position (GRCh38, 1-based): chr4:125,316,778, G>C. VCF-style: chr4-125316778-G-C. GRCh37 (hg19) VCF-style: chr4-126237933-G-C.
Other names: c.367G>C, p.Val123Leu (NM_001291285.3, NM_024582.6); c.367G>C (NM_024582.5); short protein forms V123L.
Identifiers: ClinVar variation 2662011 (VCV002662011.4), dbSNP rs759429066, ClinGen allele CA3071795.

ClinVar aggregate classification (germline): Uncertain significance. Review status: criteria provided, multiple submitters, no conflicts (2 of 4 stars). 4 submissions from 4 submitters: Uncertain significance (4). Last evaluated 2025-10-19.

Conditions:
Van Maldergem syndrome 2 (VMLDS2). Identifiers: Orphanet 314679, MedGen C3809875, MONDO:0014242, OMIM 615546.
Hennekam lymphangiectasia-lymphedema syndrome 2 (HKLLS2). Identifiers: Orphanet 2136, MedGen C4014939, MONDO:0014454, OMIM 616006.
Inborn genetic diseases. Identifiers: MedGen C0950123, MeSH D030342.

Allele frequency attached by ClinVar (database versions not stated): gnomAD exomes below 0.00001; ExAC 0.00001; TOPMed 0.00003; gnomAD 0.00005.
gnomAD v4.1: 13 of 1,613,986 alleles (0.00081%); highest among the groups gnomAD compares: African/African-American, 0.017%; no homozygotes.

Submissions (4):

Clinical Genomics Laboratory, Washington University in St. Louis
Classification: Uncertain significance for Van Maldergem syndrome 2; Hennekam lymphangiectasia-lymphedema syndrome 2. Last evaluated: 2025-10-19. Review status: criteria provided, single submitter. Criteria: ACMG Guidelines, 2015. Collection method: clinical testing. Allele origin: germline.
Comment: A FAT4 c.367G>C (p.Val123Leu) variant was identified at a heterozygous allelic fraction of 49.8%, a frequency which may be consistent with it being of germline origin. This variant, to our knowledge, has not been reported in the medical literature but has been reported in the ClinVar database as a germline variant of uncertain significance by three submitters (Variation ID: 2662011). It is observed on 13/1,613,986 alleles in the general population (gnomAD v4.1.0). Computational predictors suggest that the variant does not impact FAT4 function. Due to limited information, and based on ACMG/AMP guidelines for variant interpretation (Richards S et al., PMID: 25741868), the clinical significance of this variant is uncertain at this time.

Ambry Genetics
Classification: Uncertain significance for Inborn genetic diseases. Last evaluated: 2024-06-26. Review status: criteria provided, single submitter. Criteria: Ambry Variant Classification Scheme 2023. Collection method: clinical testing. Allele origin: germline.

Fulgent Genetics
Classification: Uncertain significance for Van Maldergem syndrome 2; Hennekam lymphangiectasia-lymphedema syndrome 2. Last evaluated: 2024-04-20. Review status: criteria provided, single submitter. Criteria: ACMG Guidelines, 2015. Collection method: clinical testing. Allele origin: germline.

GeneDx
Classification: Uncertain significance. Last evaluated: 2023-05-03. Review status: criteria provided, single submitter. Criteria: GeneDx Variant Classification Process June 2021. Collection method: clinical testing. Allele origin: germline. Affected: yes.
Comment: Not observed at significant frequency in large population cohorts (gnomAD); In silico analysis supports that this missense variant does not alter protein structure/function; Has not been previously published as pathogenic or benign to our knowledge

Literature cited by the submitters: uncertain (cited by Clinical Genomics Laboratory, Washington University in St. Louis).